The following is an entry in ClinVar:

NM_000829.4(GRIA4):c.2544+92C>T

Gene: GRIA4 (glutamate ionotropic receptor AMPA type subunit 4; plus strand). Cytogenetic location: 11q22.3.
Variant type: single nucleotide variant.
Coding change: c.2544+92C>T on transcript NM_000829.4 (MANE Select); 92 bases into the intron after coding-DNA position 2544, C replaced by T.
Molecular consequence: intron variant. On other transcripts: missense variant (1).
Genome position (GRCh38, 1-based): chr11:105,974,536, C>T. VCF-style: chr11-105974536-C-T. GRCh37 (hg19) VCF-style: chr11-105845263-C-T.
Other names: c.2636C>T, p.Thr879Ile (NM_001077243.3); short protein forms T879I.
Identifiers: ClinVar variation 3375688 (VCV003375688.1).
Genomic context (GRCh38, chr11:105,974,536, plus strand): 5'-CTTCCTCGCAGAATACCCAGAATTTAGCAACCTATAGAGAAGGTTACAACGTATATGGAA[C>T]CGAAAGTATTAAAATTTAGGGGTAGGACTTAGGCCCGACTACAGTGAGTGGGGGATGCAT-3'

ClinVar aggregate classification (germline): Uncertain significance (1 of 4 stars; one submission).

gnomAD v4.1: 4 of 1,613,410 alleles (0.00025%); highest among the groups gnomAD compares: Admixed American, 0.0017%; no homozygotes.

Submission:

GeneDx
Classification: Uncertain significance. Last evaluated: 2024-05-10. Review status: criteria provided, single submitter. Criteria: GeneDx Variant Classification Process June 2021. Collection method: clinical testing. Allele origin: germline. Affected: yes.
Comment: In silico analysis indicates that this missense variant does not alter protein structure/function; Has not been previously published as pathogenic or benign to our knowledge